The following is an entry in ClinVar:

ClinVar aggregate classification (germline): Conflicting classifications of pathogenicity. Review status: criteria provided, conflicting classifications (1 of 4 stars). 3 submissions from 3 submitters: Uncertain significance (1); Likely benign (1). 1 of the submissions does not count toward it. Last evaluated 2025-12-18.

Conditions:
TBX18-related disorder. Also called: TBX18-related condition.

Allele frequency attached by ClinVar (database versions not stated): 1000 Genomes Project 30x 0.00047; gnomAD exomes 0.00052; gnomAD 0.00056; TOPMed 0.00058; 1000 Genomes Project 0.00060; ESP Exome Variant Server 0.00062; ExAC 0.00085.
gnomAD v4.1: 786 of 1,510,216 alleles (0.052%); highest among the groups gnomAD compares: Admixed American, 0.075%; no homozygotes.

Submissions (5):

Labcorp Genetics (formerly Invitae), Labcorp
Classification: Uncertain significance. Last evaluated: 2025-12-18. Review status: criteria provided, single submitter. Criteria: Invitae Variant Classification Sherloc (09022015). Collection method: clinical testing. Allele origin: germline.
Comment: This sequence change replaces asparagine, which is neutral and polar, with serine, which is neutral and polar, at codon 368 of the TBX18 protein (p.Asn368Ser). This variant is present in population databases (rs144467216, gnomAD 0.1%), and has an allele count higher than expected for a pathogenic variant. This variant has not been reported in the literature in individuals affected with TBX18-related conditions. ClinVar contains an entry for this variant (Variation ID: 2060483). Invitae Evidence Modeling of protein sequence and biophysical properties (such as structural, functional, and spatial information, amino acid conservation, physicochemical variation, residue mobility, and thermodynamic stability) indicates that this missense variant is not expected to disrupt TBX18 protein function with a negative predictive value of 80%. In summary, the available evidence is currently insufficient to determine the role of this variant in disease. Therefore, it has been classified as a Variant of Uncertain Significance.

Laboratory of Genetics, Children's Clinical University Hospital Latvia
Classification: Likely benign. Last evaluated: 2025-02-16. Review status: criteria provided, single submitter. Criteria: ACMG Guidelines, 2015. Collection method: clinical testing. Allele origin: germline. Affected: yes.

PreventionGenetics, part of Exact Sciences
Classification: Likely benign for TBX18-related condition. Last evaluated: 2023-12-31. Review status: no assertion criteria provided. Collection method: clinical testing. Allele origin: germline. Not counted in ClinVar's aggregate classification.
Comment: This variant is classified as likely benign based on ACMG/AMP sequence variant interpretation guidelines (Richards et al. 2015 PMID: 25741868, with internal and published modifications).

Dr. Peter K. Rogan Lab, Western University
No classification provided (evidence only). Condition: Melanoma. Review status: no classification provided. Collection method: in vitro. Allele origin: not applicable. Functional consequence: retained intron. Not counted in ClinVar's aggregate classification.

Dr. Peter K. Rogan Lab, Western University
No classification provided (evidence only). Condition: Ovarian serous cystadenocarcinoma. Review status: no classification provided. Collection method: in vitro. Allele origin: not applicable. Functional consequence: retained intron. Not counted in ClinVar's aggregate classification.

NM_001080508.3(TBX18):c.1103A>G (p.Asn368Ser)

Gene: TBX18 (T-box transcription factor 18; minus strand). Cytogenetic location: 6q14.3.
Variant type: single nucleotide variant.
Coding change: c.1103A>G on transcript NM_001080508.3 (MANE Select); coding-DNA position 1103, A replaced by G.
Protein change: p.Asn368Ser; replaces asparagine 368 with serine.
Molecular consequence: missense variant.
Genome position (GRCh38, 1-based): chr6:84,737,406, T>C on the plus strand (A>G on the coding strand, the complement: TBX18 is on the minus strand). VCF-style: chr6-84737406-T-C. GRCh37 (hg19) VCF-style: chr6-85447124-T-C.
Other names: c.1103A>G (NM_001080508.2); short protein forms N368S.
Identifiers: ClinVar variation 2060483 (VCV002060483.8), dbSNP rs144467216, ClinGen allele CA3910904.